The following is an entry in ClinVar:

NM_022089.4(ATP13A2):c.524G>T (p.Trp175Leu)

Gene: ATP13A2 (ATPase cation transporting 13A2; minus strand). Cytogenetic location: 1p36.13.
Variant type: single nucleotide variant.
Coding change: c.524G>T on transcript NM_022089.4 (MANE Select); coding-DNA position 524, G replaced by T.
Protein change: p.Trp175Leu; replaces tryptophan 175 with leucine.
Molecular consequence: missense variant.
Genome position (GRCh38, 1-based): chr1:17,004,365, C>A on the plus strand (G>T on the coding strand, the complement: ATP13A2 is on the minus strand). VCF-style: chr1-17004365-C-A. GRCh37 (hg19) VCF-style: chr1-17330860-C-A.
Other names: c.509G>T, p.Trp170Leu (NM_001141973.3, NM_001141974.3); short protein forms W175L, W170L.
Identifiers: ClinVar variation 1447161 (VCV001447161.8), dbSNP rs2077471676, ClinGen allele CA338261756.

ClinVar aggregate classification (germline): Uncertain significance (1 of 4 stars; one submission).

Conditions:
Autosomal recessive spastic paraplegia type 78. Identifiers: Orphanet 513436, MedGen C5567893, MONDO:0014975, OMIM 617225.
Kufor-Rakeb syndrome (KRS). Also called: PARKINSON DISEASE 9, AUTOSOMAL RECESSIVE, JUVENILE-ONSET. Identifiers: Orphanet 306674, Orphanet 314632, MedGen C1847640, MONDO:0011706, OMIM 606693.

Allele frequency attached by ClinVar (database versions not stated): TOPMed below 0.00001; gnomAD exomes 0.00001.
gnomAD v4.1: 9 of 1,614,002 alleles (0.00056%); highest among the groups gnomAD compares: Non-Finnish European, 0.00068%; no homozygotes.

Submission:

Labcorp Genetics (formerly Invitae), Labcorp
Classification: Uncertain significance for Kufor-Rakeb syndrome; Autosomal recessive spastic paraplegia type 78. Last evaluated: 2021-07-10. Review status: criteria provided, single submitter. Criteria: Invitae Variant Classification Sherloc (09022015). Collection method: clinical testing. Allele origin: germline.
Comment: In summary, the available evidence is currently insufficient to determine the role of this variant in disease. Therefore, it has been classified as a Variant of Uncertain Significance. Algorithms developed to predict the effect of missense changes on protein structure and function are either unavailable or do not agree on the potential impact of this missense change (SIFT: "Deleterious"; PolyPhen-2: "Probably Damaging"; Align-GVGD: "Class C0"). This variant has not been reported in the literature in individuals affected with ATP13A2-related conditions. This variant is not present in population databases (ExAC no frequency). This sequence change replaces tryptophan with leucine at codon 175 of the ATP13A2 protein (p.Trp175Leu). The tryptophan residue is highly conserved and there is a small physicochemical difference between tryptophan and leucine.